The following is an entry in ClinVar:

ClinVar aggregate classification (germline): Benign. Review status: criteria provided, multiple submitters, no conflicts (2 of 4 stars). 4 submissions from 4 submitters: Benign (3). 1 of the submissions does not count toward it. Last evaluated 2026-01-28.

Conditions:
LSS-related disorder. Also called: LSS-related condition.

Allele frequency attached by ClinVar (database versions not stated): ESP Exome Variant Server 0.15693; gnomAD 0.14535 and 0.14312; TOPMed 0.14868; 1000 Genomes Project 30x 0.11946; 1000 Genomes Project 0.12121; gnomAD exomes 0.13584 and 0.15801; ExAC 0.13644.
gnomAD v4.1: 252,356 of 1,613,904 alleles (16%); highest among the groups gnomAD compares: Middle Eastern, 18%; 20,582 homozygotes.

Submissions (4):

Labcorp Genetics (formerly Invitae), Labcorp
Classification: Benign. Last evaluated: 2026-01-28. Review status: criteria provided, single submitter. Criteria: Invitae Variant Classification Sherloc (09022015). Collection method: clinical testing. Allele origin: germline.

GeneDx
Classification: Benign. Last evaluated: 2018-03-24. Review status: criteria provided, single submitter. Criteria: GeneDx Variant Classification (06012015). Collection method: clinical testing. Allele origin: germline. Affected: yes.
Comment: This variant is considered likely benign or benign based on one or more of the following criteria: it is a conservative change, it occurs at a poorly conserved position in the protein, it is predicted to be benign by multiple in silico algorithms, and/or has population frequency not consistent with disease.

Breakthrough Genomics
Classification: Benign. Review status: criteria provided, single submitter. Criteria: ACMG Guidelines, 2015. Collection method: not provided. Allele origin: germline. Inheritance: Autosomal recessive inheritance. Affected: yes.

PreventionGenetics, part of Exact Sciences
Classification: Benign for LSS-related condition. Last evaluated: 2019-07-15. Review status: no assertion criteria provided. Collection method: clinical testing. Allele origin: germline. Not counted in ClinVar's aggregate classification.
Comment: This variant is classified as benign based on ACMG/AMP sequence variant interpretation guidelines (Richards et al. 2015 PMID: 25741868, with internal and published modifications).

NM_002340.6(LSS):c.524G>A (p.Arg175Gln)

Gene: LSS (lanosterol synthase; minus strand). Cytogenetic location: 21q22.3.
Variant type: single nucleotide variant.
Coding change: c.524G>A on transcript NM_002340.6 (MANE Select); coding-DNA position 524, G replaced by A.
Protein change: p.Arg175Gln; replaces arginine 175 with glutamine.
Molecular consequence: missense variant.
Genome position (GRCh38, 1-based): chr21:46,221,880, C>T on the plus strand (G>A on the coding strand, the complement: LSS is on the minus strand). VCF-style: chr21-46221880-C-T. GRCh37 (hg19) VCF-style: chr21-47641794-C-T.
Other names: c.524G>A, p.Arg175Gln (NM_001001438.3); c.491G>A, p.Arg164Gln (NM_001145436.2); c.284G>A, p.Arg95Gln (NM_001145437.2); c.524G>A (NM_001001438.2); short protein forms R164Q, R95Q, R175Q.
Identifiers: ClinVar variation 677220 (VCV000677220.12), dbSNP rs2839158, ClinGen allele CA10075456.